The following is an entry in ClinVar:

ClinVar aggregate classification (germline): Pathogenic (1 of 4 stars; one submission).

Conditions:
Joubert syndrome and related disorders. Identifiers: Orphanet 140874, MedGen C5679612, MONDO:0015369.

Submission:

Myriad Genetics, Inc.
Classification: Pathogenic for Joubert syndrome and related disorders. Last evaluated: 2025-01-23. Review status: criteria provided, single submitter. Criteria: Myriad Autosomal Dominant, Autosomal Recessive and X-Linked Classification Criteria (2023). Collection method: clinical testing. Allele origin: unknown.
Comment: NM_001080522.2(CC2D2A):c.3649G>T(E1217*) is expected to be pathogenic in the context of CC2D2A-related disorders. This variant is predicted to lead to an abnormal or absent protein product due to the creation of a premature termination codon in CC2D2A, a gene where loss-of-function variants are known to be pathogenic. Please note: this variant was assessed in the context of healthy population screening.

NM_001378615.1(CC2D2A):c.3649G>T (p.Glu1217Ter)

Genes: CC2D2A (coiled-coil and C2 domain containing 2A; plus strand), FBXL5 (F-box and leucine rich repeat protein 5; minus strand). Cytogenetic location: 4p15.32.
Variant type: single nucleotide variant.
Coding change: c.3649G>T on transcript NM_001378615.1 (MANE Select); coding-DNA position 3649, G replaced by T.
Protein change: p.Glu1217Ter; replaces glutamic acid 1217 with a stop codon.
Molecular consequence: nonsense.
Genome position (GRCh38, 1-based): chr4:15,574,204, G>T. VCF-style: chr4-15574204-G-T. GRCh37 (hg19) VCF-style: chr4-15575827-G-T.
Other names: c.3649G>T, p.Glu1217Ter (NM_001080522.2); c.3502G>T, p.Glu1168Ter (NM_001378617.1); short protein forms E1168*, E1217*.
Identifiers: ClinVar variation 5014011 (VCV005014011.1).
Genomic context (GRCh38, chr4:15,574,204, plus strand): 5'-TCACAGATTGATGGAACATTTAAAATAGATATTCCCCCAGTTCTTCTGGGCTACAGTAAG[G>T]AGCGAAATATGATTCTTGAGCGGGGTTTTGATTCTGTCCGAAGCTTAAGTGAAGGCTCCT-3'